The following is an entry in ClinVar:

NM_000093.5(COL5A1):c.3006+17C>T

Gene: COL5A1 (collagen type V alpha 1 chain; plus strand). Cytogenetic location: 9q34.3.
Variant type: single nucleotide variant.
Coding change: c.3006+17C>T on transcript NM_000093.5 (MANE Select); 17 bases into the intron after coding-DNA position 3006, C replaced by T.
Molecular consequence: intron variant.
Genome position (GRCh38, 1-based): chr9:134,802,024, C>T. VCF-style: chr9-134802024-C-T. GRCh37 (hg19) VCF-style: chr9-137693870-C-T.
Other names: c.3006+17C>T (NM_001278074.1).
Identifiers: ClinVar variation 255074 (VCV000255074.13), dbSNP rs140528268, ClinGen allele CA5319716.
Genomic context (GRCh38, chr9:134,802,024, plus strand): 5'-GCAAGACCGGCCCTCCAGGCCCCCCCGGCGTGGTCGGCCCTCAGGTAAGCTCCAGCCTTC[C>T]CAGATTCCATGGGTCACTCGGTGTCACTTGCCCACAGGGAAGAGGGTCCCAGCCCGGGCA-3'

ClinVar aggregate classification (germline): Benign/Likely benign. Review status: criteria provided, multiple submitters, no conflicts (2 of 4 stars). 7 submissions from 6 submitters: Benign (4); Likely benign (3). Last evaluated 2025-11-09.

Conditions:
Fibromuscular dysplasia, multifocal. Identifiers: MedGen C5543412, MONDO:0859151, OMIM 619329.
Ehlers-Danlos syndrome, classic type, 1 (EDSCL1). Also called: Ehlers-Danlos Syndrome, Classic Type, COL5A1-Related; EHLERS-DANLOS SYNDROME, GRAVIS TYPE; EHLERS-DANLOS SYNDROME, SEVERE CLASSIC TYPE; Ehlers-Danlos syndrome, type 1; EDS I. Identifiers: MedGen C0268335, MONDO:0019567, OMIM 130000.

Allele frequency attached by ClinVar (database versions not stated): gnomAD exomes 0.00005 and 0.00008; ExAC 0.00012; gnomAD 0.00027 and 0.00031; 1000 Genomes Project 30x 0.00031; 1000 Genomes Project 0.00040; ESP Exome Variant Server 0.00031; TOPMed 0.00033.
gnomAD v4.1: 151 of 1,612,988 alleles (0.0094%); highest among the groups gnomAD compares: African/African-American, 0.13%; 1 homozygote.

Submissions (7):

Labcorp Genetics (formerly Invitae), Labcorp
Classification: Benign for Ehlers-Danlos syndrome, classic type, 1. Last evaluated: 2025-11-09. Review status: criteria provided, single submitter. Criteria: Invitae Variant Classification Sherloc (09022015). Collection method: clinical testing. Allele origin: germline.

Blueprint Genetics
Classification: Likely benign. Last evaluated: 2024-10-11. Review status: criteria provided, single submitter. Criteria: ACMG Guidelines, 2015. Collection method: clinical testing. Allele origin: germline.

Women's Health and Genetics/Laboratory Corporation of America, LabCorp
Classification: Benign. Last evaluated: 2023-08-10. Review status: criteria provided, single submitter. Criteria: LabCorp Variant Classification Summary - May 2015. Collection method: clinical testing. Allele origin: germline.

Genome-Nilou Lab
Classification: Benign for Ehlers-Danlos syndrome, classic type, 1. Last evaluated: 2022-03-15. Review status: criteria provided, single submitter. Criteria: ACMG Guidelines, 2015. Collection method: clinical testing. Allele origin: germline. Affected: no.

Genome-Nilou Lab
Classification: Benign for Fibromuscular dysplasia, multifocal. Last evaluated: 2022-03-15. Review status: criteria provided, single submitter. Criteria: ACMG Guidelines, 2015. Collection method: clinical testing. Allele origin: germline. Affected: no.

GeneDx
Classification: Likely benign. Last evaluated: 2016-01-11. Review status: criteria provided, single submitter. Criteria: GeneDx Variant Classification (06012015). Collection method: clinical testing. Allele origin: germline. Affected: yes.
Comment: This variant is considered likely benign or benign based on one or more of the following criteria: it is a conservative change, it occurs at a poorly conserved position in the protein, it is predicted to be benign by multiple in silico algorithms, and/or has population frequency not consistent with disease.

PreventionGenetics, part of Exact Sciences
Classification: Likely benign. Review status: criteria provided, single submitter. Criteria: ACMG Guidelines, 2015. Collection method: clinical testing. Allele origin: germline.